The following is an entry in ClinVar:

NM_025114.4(CEP290):c.6271-6_6274del

Genes: CEP290 (centrosomal protein 290; minus strand), LOC129390514 (MPRA-validated peak1864 silencer; plus strand). Cytogenetic location: 12q21.32.
Variant type: Deletion.
Coding change: c.6271-6_6274del on transcript NM_025114.4 (MANE Select); 6 bases into the intron before coding-DNA position 6271 through coding-DNA position 6274, 10 bases deleted (TTTCAGAATC; older notation c.6271-6_6274delTTTCAGAATC).
Molecular consequence: splice acceptor variant.
Genome position (GRCh38, 1-based): chr12:88,062,775-88,062,784, GATTCTGAAA deleted on the plus strand (TTTCAGAATC on the coding strand, the reverse complement: CEP290 is on the minus strand); deleting any 10 consecutive bases within chr12:88,062,775-88,062,787 gives the same sequence; the c. name uses the placement nearest the transcript's 3' end. VCF-style (leftmost placement, unchanged base first): chr12-88062774-TGATTCTGAAA-T. GRCh37 (hg19) VCF-style: chr12-88456551-TGATTCTGAAA-T.
Identifiers: ClinVar variation 964224 (VCV000964224.8), dbSNP rs2034579427, ClinGen allele CA1139662793.

ClinVar aggregate classification (germline): Likely pathogenic (1 of 4 stars; one submission).

Conditions:
Meckel-Gruber syndrome. Also called: Dysencephalia splachnocystica; DYSENCEPHALIA SPLANCHNOCYSTICA; GRUBER SYNDROME. Identifiers: Orphanet 564, MedGen C0265215, MONDO:0018921.
Nephronophthisis. Also called: Juvenile Nephronophthisis. Identifiers: Orphanet 655, MedGen C0687120, MONDO:0019005, HP:0000090.
Joubert syndrome. Also called: Familial aplasia of the vermis; CEREBELLOPARENCHYMAL DISORDER IV; JOUBERT-BOLTSHAUSER SYNDROME. Identifiers: Orphanet 475, MedGen C5979921, MONDO:0018772.

Submission:

Labcorp Genetics (formerly Invitae), Labcorp
Classification: Likely pathogenic for Joubert syndrome; Meckel-Gruber syndrome; Nephronophthisis. Last evaluated: 2021-04-22. Review status: criteria provided, single submitter. Criteria: Invitae Variant Classification Sherloc (09022015). Collection method: clinical testing. Allele origin: germline.
Comment: In summary, the currently available evidence indicates that the variant is pathogenic, but additional data are needed to prove that conclusively. Therefore, this variant has been classified as Likely Pathogenic. This variant has not been reported in the literature in individuals with CEP290-related conditions. This variant results in the deletion of part of exon 46 (c.6271-6_6274del) of the CEP290 gene. It is expected to disrupt RNA splicing. Variants that disrupt the donor or acceptor splice site typically lead to a loss of protein function (PMID: 16199547), and loss-of-function variants in CEP290 are known to be pathogenic (PMID: 16909394, 17345604, 20690115).

Literature cited by the submitters: PubMed 16199547; PubMed 16909394; PubMed 17345604; PubMed 20690115.